The following is an entry in ClinVar:

ClinVar aggregate classification (germline): Conflicting classifications of pathogenicity. Review status: criteria provided, conflicting classifications (1 of 4 stars). 3 submissions from 3 submitters: Uncertain significance (1); Likely benign (1). 1 of the submissions does not count toward it. Last evaluated 2025-04-01.

Conditions:
CYP21A2-related disorder. Also called: CYP21A2-related condition.
21-Hydroxylase-Deficient Congenital Adrenal Hyperplasia. Also called: ADRENAL HYPERPLASIA III; ADRENAL HYPERPLASIA, CONGENITAL, DUE TO 21-HYDROXYLASE DEFICIENCY. Identifiers: MedGen C2936858, OMIM 201910.

Allele frequency attached by ClinVar (database versions not stated): ExAC 0.00312; 1000 Genomes Project 30x 0.00671.

Submissions (3):

3billion
Classification: Uncertain significance for 21-Hydroxylase-Deficient Congenital Adrenal Hyperplasia. Last evaluated: 2025-04-01. Review status: criteria provided, single submitter. Criteria: ACMG Guidelines, 2015. Collection method: clinical testing. Allele origin: germline. Affected: yes.

CeGaT Center for Human Genetics Tuebingen
Classification: Likely benign. Last evaluated: 2023-12-01. Review status: criteria provided, single submitter. Criteria: CeGaT Center For Human Genetics Tuebingen Variant Classification Criteria Version 2. Collection method: clinical testing. Allele origin: germline. Affected: yes. Observed: 1 variant allele.
Comment: CYP21A2: PP2, BP4, BS1

PreventionGenetics, part of Exact Sciences
Classification: Uncertain significance for CYP21A2-related condition. Last evaluated: 2024-07-25. Review status: no assertion criteria provided. Collection method: clinical testing. Allele origin: germline. Not counted in ClinVar's aggregate classification.
Comment: The CYP21A2 c.1179C>G variant is predicted to result in the amino acid substitution p.His393Gln. This variant was reported with a 30kb deletion allele (reported as "large lesion") in an individual with salt-wasting (SW) congenital adrenal hyperplasia (CAH); and the functional study showed that this variant induced a significantly reduced 21‐hydroxylase activity (Xu et al. 2019. PubMed ID: 30968594). This variant is reported in 2.0% of alleles in individuals of East Asian descent in gnomAD. This variant falls within a highly paralogous region. Allele frequency data should be interpreted with caution. At this time, the clinical significance of this variant is uncertain due to the absence of conclusive functional and genetic evidence.

Literature cited by the submitters: PubMed 30968594 (cited by 3billion).

NM_000500.9(CYP21A2):c.1179C>G (p.His393Gln)

Genes: CYP21A2 (cytochrome P450 family 21 subfamily A member 2; plus strand), LOC106780800 (CYP21A2 recombination region; plus strand). Cytogenetic location: 6p21.33.
Variant type: single nucleotide variant.
Coding change: c.1179C>G on transcript NM_000500.9 (MANE Select); coding-DNA position 1179, C replaced by G.
Protein change: p.His393Gln; replaces histidine 393 with glutamine.
Molecular consequence: missense variant.
Genome position (GRCh38, 1-based): chr6:32,040,728, C>G. VCF-style: chr6-32040728-C-G. GRCh37 (hg19) VCF-style: chr6-32008505-C-G.
Other names: c.1179C>G (NM_000500.7); c.1089C>G, p.His363Gln (NM_001128590.4); c.774C>G, p.His258Gln (NM_001368143.2, NM_001368144.2); short protein forms H258Q, H363Q, H393Q.
Identifiers: ClinVar variation 3025277 (VCV003025277.22), dbSNP rs745358717, ClinGen allele CA3732663.
Genomic context (GRCh38, chr6:32,040,728, plus strand): 5'-CATCTCCGGCTACGACATCCCTGAGGGCACAGTCATCATTCCGAACCTCCAAGGCGCCCA[C>G]CTGGATGAGACGGTCTGGGAGAGGCCACATGAGTTCTGGCCTGGTATGTGGGGGGCCGGG-3'
Protein context (NP_000491.4, residues 383-403): TVIIPNLQGA[His393Gln]LDETVWERPH